The following is an entry in ClinVar:

NM_024747.6(HPS6):c.2038C>T (p.Gln680Ter)

Gene: HPS6 (HPS6 biogenesis of lysosomal organelles complex 2 subunit 3; plus strand). Cytogenetic location: 10q24.32.
Variant type: single nucleotide variant.
Coding change: c.2038C>T on transcript NM_024747.6 (MANE Select); coding-DNA position 2038, C replaced by T.
Protein change: p.Gln680Ter; replaces glutamine 680 with a stop codon.
Molecular consequence: nonsense.
Genome position (GRCh38, 1-based): chr10:102,067,512, C>T. VCF-style: chr10-102067512-C-T. GRCh37 (hg19) VCF-style: chr10-103827269-C-T.
Other names: short protein forms Q680*.
Identifiers: ClinVar variation 431051 (VCV000431051.6), dbSNP rs1131692333, ClinGen allele CA377875212.

ClinVar aggregate classification (germline): Pathogenic/Likely pathogenic. Review status: criteria provided, multiple submitters, no conflicts (2 of 4 stars). 4 submissions from 4 submitters: Pathogenic (2); Likely pathogenic (1). 1 of the submissions does not count toward it. Last evaluated 2026-01-24.

Conditions:
Hermansky-Pudlak syndrome 6 (HPS6). Identifiers: Orphanet 231512, Orphanet 79430, MedGen C3888007, MONDO:0013558, OMIM 614075.

Allele frequency attached by ClinVar (database versions not stated): gnomAD exomes 0.00001.

Submissions (4):

Labcorp Genetics (formerly Invitae), Labcorp
Classification: Pathogenic. Last evaluated: 2026-01-24. Review status: criteria provided, single submitter. Criteria: Invitae Variant Classification Sherloc (09022015). Collection method: clinical testing. Allele origin: germline.
Comment: This sequence change creates a premature translational stop signal (p.Gln680*) in the HPS6 gene. While this is not anticipated to result in nonsense mediated decay, it is expected to disrupt the last 96 amino acid(s) of the HPS6 protein. This variant is present in population databases (no rsID available, gnomAD 0.02%). This premature translational stop signal has been observed in individual(s) with clinical features of HPS6-related conditions and/or Hermansky-Pudlak syndrome (PMID: 27225848, 29054114, 31141302). In at least one individual the data is consistent with being in trans (on the opposite chromosome) from a pathogenic variant. It has also been observed to segregate with disease in related individuals. ClinVar contains an entry for this variant (Variation ID: 431051). For these reasons, this variant has been classified as Pathogenic.

Division of Genetic & Genomic Pathology, Hong Kong Children's Hospital
Classification: Likely pathogenic for Hermansky-Pudlak syndrome 6. Last evaluated: 2025-04-09. Review status: criteria provided, single submitter. Criteria: ACMG Guidelines, 2015. Collection method: clinical testing. Allele origin: germline. Affected: yes.
Comment: The nonsense variant c.2038C>T in the HPS6 gene creates a premature stop codon in the only coding exon of the gene. The mutant transcript is predicted to escape nonsense-mediated decay and remove 12% of the protein. The variant is present at a low frequency in control populations (gnomAD v4.1.0: 18 in 1,613,766 alleles). It has been detected in trans with other (likely) pathogenic variants in two patients with ocular albinism (PMID: 27225848 and 29054114; ClinVar accession: VCV000431051.2). The variant has also been reported in homozygous state in one patient with ocular albinism (PMID: 31141302). For these reasons, the variant is classified as likely pathogenic.

Juno Genomics, Hangzhou Juno Genomics, Inc
Classification: Pathogenic for Hermansky-Pudlak syndrome 6. Review status: criteria provided, single submitter. Criteria: ACMG Guidelines, 2015. Collection method: clinical testing. Allele origin: germline.
Comment: Absent from controls (or at extremely low frequency if recessive) in Genome Aggregation Database.;Null variant in a gene where loss of function (LOF) is a known mechanism of disease.;For recessive disorders, detected in trans with a pathogenic variant.;Co-segregation with disease in multiple affected family members.

OMIM
Classification: Pathogenic for HERMANSKY-PUDLAK SYNDROME 6. Last evaluated: 2017-07-28. Review status: no assertion criteria provided. Collection method: literature only. Allele origin: germline. Not counted in ClinVar's aggregate classification.

Literature cited by the submitters: PubMed 27225848 (cited by 3 submitters); PubMed 29054114 (cited by Labcorp Genetics (formerly Invitae), Labcorp and Division of Genetic & Genomic Pathology, Hong Kong Children's Hospital); PubMed 31141302 (cited by Labcorp Genetics (formerly Invitae), Labcorp and Division of Genetic & Genomic Pathology, Hong Kong Children's Hospital).